The following is an entry in ClinVar:

ClinVar aggregate classification (germline): Uncertain significance (1 of 4 stars; one submission).

Conditions:
Hereditary cancer-predisposing syndrome. Also called: Hereditary Cancer Syndrome; Hereditary neoplastic syndrome; Neoplastic Syndromes, Hereditary; Tumor predisposition. Identifiers: Orphanet 140162, MedGen C0027672, MeSH D009386, MONDO:0015356.

Submission:

Ambry Genetics
Classification: Uncertain significance for Hereditary cancer-predisposing syndrome. Last evaluated: 2023-05-24. Review status: criteria provided, single submitter. Criteria: Ambry Variant Classification Scheme 2023. Collection method: clinical testing. Allele origin: germline.
Comment: The c.6572+4T>G intronic variant results from a T to G substitution 4 nucleotides after coding exon 44 in the ATM gene. This nucleotide position is not well conserved in available vertebrate species. In silico splice site analysis predicts that this alteration will not have any significant effect on splicing. Since supporting evidence is limited at this time, the clinical significance of this alteration remains unclear.

NM_000051.4(ATM):c.6572+4T>G

Genes: ATM (ATM serine/threonine kinase; plus strand), C11orf65 (chromosome 11 open reading frame 65; minus strand). Cytogenetic location: 11q22.3.
Variant type: single nucleotide variant.
Coding change: c.6572+4T>G on transcript NM_000051.4 (MANE Select); 4 bases into the intron after coding-DNA position 6572, T replaced by G.
Molecular consequence: intron variant.
Genome position (GRCh38, 1-based): chr11:108,321,424, T>G. VCF-style: chr11-108321424-T-G. GRCh37 (hg19) VCF-style: chr11-108192151-T-G.
Other names: c.6572+4T>G (NM_001351834.2); c.641-12353A>C (NM_001330368.2); c.*39-12353A>C (NM_001351110.2).
Identifiers: ClinVar variation 2568216 (VCV002568216.2), dbSNP rs587780636, ClinGen allele CA2580615039.